The following is an entry in ClinVar:

ClinVar aggregate classification (germline): Pathogenic (1 of 4 stars; one submission).

Allele frequency attached by ClinVar (database versions not stated): gnomAD exomes below 0.00001; TOPMed below 0.00001.

Submission:

Labcorp Genetics (formerly Invitae), Labcorp
Classification: Pathogenic. Last evaluated: 2021-06-01. Review status: criteria provided, single submitter. Criteria: Invitae Variant Classification Sherloc (09022015). Collection method: clinical testing. Allele origin: germline.
Comment: This sequence change creates a premature translational stop signal (p.Cys50Alafs*43) in the PCARE gene. It is expected to result in an absent or disrupted protein product. Loss-of-function variants in PCARE are known to be pathogenic (PMID: 20398886, 24339724, 26496393). This variant is not present in population databases (ExAC no frequency). This variant has not been reported in the literature in individuals with PCARE-related conditions. For these reasons, this variant has been classified as Pathogenic.

Literature cited by the submitters: PubMed 20398886; PubMed 24339724; PubMed 26496393.

NM_001029883.3(PCARE):c.148del (p.Cys50fs)

Gene: PCARE (photoreceptor cilium actin regulator; minus strand). Cytogenetic location: 2p23.2.
Variant type: Deletion.
Coding change: c.148del on transcript NM_001029883.3 (MANE Select); coding-DNA position 148, one base deleted (T; older notation c.148delT).
Protein change: p.Cys50fs; shifts the reading frame from cysteine 50.
Molecular consequence: frameshift variant.
Genome position (GRCh38, 1-based): chr2:29,074,114, A deleted on the plus strand (T on the coding strand, the reverse complement: PCARE is on the minus strand). VCF-style (leftmost placement, unchanged base first): chr2-29074113-CA-C. GRCh37 (hg19) VCF-style: chr2-29296979-CA-C.
Other names: short protein forms C50fs.
Identifiers: ClinVar variation 1454590 (VCV001454590.6), dbSNP rs1302210262, ClinGen allele CA531766679.